The following is an entry in ClinVar:

ClinVar aggregate classification (germline): Pathogenic/Likely pathogenic. Review status: criteria provided, multiple submitters, no conflicts (2 of 4 stars). 5 submissions from 5 submitters: Pathogenic (1); Likely pathogenic (3). 1 of the submissions does not count toward it. Last evaluated 2024-06-24.

Conditions:
RAB28-related disorder. Also called: RAB28-related condition.
Cone-rod dystrophy 18 (CORD18). Identifiers: Orphanet 1872, MedGen C3809299, MONDO:0014153, OMIM 615374.

Allele frequency attached by ClinVar (database versions not stated): gnomAD 0.00001; TOPMed 0.00001.
gnomAD v4.1: 4 of 1,611,892 alleles (0.00025%); highest among the groups gnomAD compares: Admixed American, 0.0033%; no homozygotes.

Submissions (5):

Labcorp Genetics (formerly Invitae), Labcorp
Classification: Likely pathogenic. Last evaluated: 2024-06-24. Review status: criteria provided, single submitter. Criteria: Invitae Variant Classification Sherloc (09022015). Collection method: clinical testing. Allele origin: germline.
Comment: This sequence change replaces cysteine, which is neutral and slightly polar, with tryptophan, which is neutral and slightly polar, at codon 217 of the RAB28 protein (p.Cys217Trp). This variant is present in population databases (rs751163782, gnomAD 0.003%). This missense change has been observed in individuals with autosomal recessive cone-rod dystrophy or retinitis pigmentosa (PMID: 25356532, 35119454; Invitae). ClinVar contains an entry for this variant (Variation ID: 225879). An algorithm developed to predict the effect of missense changes on protein structure and function (PolyPhen-2) suggests that this variant is likely to be disruptive. Algorithms developed to predict the effect of sequence changes on RNA splicing suggest that this variant may disrupt the consensus splice site. In summary, the currently available evidence indicates that the variant is pathogenic, but additional data are needed to prove that conclusively. Therefore, this variant has been classified as Likely Pathogenic.

Blueprint Genetics
Classification: Likely pathogenic for RAB28-related disorders. Last evaluated: 2022-10-31. Review status: criteria provided, single submitter. Criteria: ACMG Guidelines, 2015. Collection method: clinical testing. Allele origin: germline. Affected: yes. Observed: 2 variant alleles.

Molecular Diagnostics Laboratory, M Health Fairview: University of Minnesota
Classification: Likely pathogenic for Cone-rod dystrophy 18. Last evaluated: 2021-04-27. Review status: criteria provided, single submitter. Criteria: ACMG Guidelines, 2015. Collection method: clinical testing. Allele origin: germline. Affected: yes.

Lupski Lab, Baylor-Hopkins CMG, Baylor College of Medicine
Classification: Pathogenic for Cone-rod dystrophy 18. Last evaluated: 2015-02-01. Review status: criteria provided, single submitter. Criteria: Riveiro-Álvarez et al. (JAMA Ophthalmol. 2015). Collection method: research. Allele origin: germline. Inheritance: Autosomal recessive inheritance. Affected: yes and no. Observed: 4 variant alleles, 3 heterozygotes, 1 homozygote. Clinical features observed: Macular dystrophy (HP:0007754), Optic disc pallor (HP:0000543), Abnormal electroretinogram (HP:0000512), Cone/cone-rod dystrophy (HP:0000548).

OMIM
Classification: Pathogenic for CONE-ROD DYSTROPHY 18. Last evaluated: 2015-02-01. Review status: no assertion criteria provided. Collection method: literature only. Allele origin: germline. Not counted in ClinVar's aggregate classification.

Literature cited by the submitters: PubMed 25356532 (cited by Labcorp Genetics (formerly Invitae), Labcorp and OMIM); PubMed 35119454 (cited by Labcorp Genetics (formerly Invitae), Labcorp); PubMed 23746546 (cited by Lupski Lab, Baylor-Hopkins CMG, Baylor College of Medicine).

NM_004249.4(RAB28):c.651T>G (p.Cys217Trp)

Gene: RAB28 (RAB28, member RAS oncogene family; minus strand). Cytogenetic location: 4p15.33.
Variant type: single nucleotide variant.
Coding change: c.651T>G on transcript NM_004249.4 (MANE Plus Clinical); coding-DNA position 651, T replaced by G.
Protein change: p.Cys217Trp; replaces cysteine 217 with tryptophan.
Molecular consequence: missense variant. On other transcripts: intron variant (2).
Genome position (GRCh38, 1-based): chr4:13,369,888, A>C on the plus strand (T>G on the coding strand, the complement: RAB28 is on the minus strand). VCF-style: chr4-13369888-A-C. GRCh37 (hg19) VCF-style: chr4-13371512-A-C.
Other names: c.574-1238T>G (NM_001017979.3); c.*32-1238T>G (NM_001159601.2); short protein forms C217W.
Identifiers: ClinVar variation 225879 (VCV000225879.12), dbSNP rs751163782, ClinGen allele CA2859979.